The following is an entry in ClinVar:

ClinVar aggregate classification (germline): Pathogenic (1 of 4 stars; one submission).

Conditions:
Autosomal recessive limb-girdle muscular dystrophy type 2B (LGMDR2). Also called: MUSCULAR DYSTROPHY, LIMB-GIRDLE, TYPE 3; MUSCULAR DYSTROPHY, LIMB-GIRDLE, AUTOSOMAL RECESSIVE 2; Limb-Girdle Muscular Dystrophy Type 2B (LGMD2B); Limb-girdle muscular dystrophy, type 2B. Identifiers: Orphanet 268, MedGen C1850889, MONDO:0009676, OMIM 253601.

gnomAD v4.1: 1 of 1,612,774 alleles (0.000062%); highest among the groups gnomAD compares: Non-Finnish European, 0.000085%; no homozygotes.

Submission:

Natera, Inc.
Classification: Pathogenic for Limb-girdle muscular dystrophy type 2B. Last evaluated: 2025-08-21. Review status: criteria provided, single submitter. Criteria: Natera Variant Classification Schema (03/2026). Collection method: clinical testing. Allele origin: germline.
Comment: The c.2355+2T>G variant in DYSF is a canonical splice donor site variant predicted to affect pre-mRNA splicing, which may result in an abnormal transcript and altered protein product. This variant is expected to result in nonsense mediated decay, truncation, or a dysfunctional protein product. This variant is rare in the general population with a frequency below the threshold expected for the associated phenotype(s). This variant has been observed in one or more individuals affected with the associated recessive disease, as either homozygous or compound heterozygous with a second variant (PMID: 26809617). Another variant at this same site results in an alteration predicted to cause a similar molecular effect has been observed in individual(s) with the associated phenotype. Given the available evidence, this variant is classified as Pathogenic.

Literature cited by the submitters: PubMed 26809617.

NM_001130987.2(DYSF):c.2409+2T>G

Gene: DYSF (dysferlin; plus strand). Cytogenetic location: 2p13.2.
Variant type: single nucleotide variant.
Coding change: c.2409+2T>G on transcript NM_001130987.2 (MANE Select); the canonical splice donor site of the intron after coding-DNA position 2409, T replaced by G.
Molecular consequence: splice donor variant.
Genome position (GRCh38, 1-based): chr2:71,561,946, T>G. VCF-style: chr2-71561946-T-G. GRCh37 (hg19) VCF-style: chr2-71789076-T-G.
Other names: c.2448+2T>G (NM_001130979.2); c.2406+2T>G (NM_001130981.2, NM_001130980.2); c.2355+2T>G (NM_001130978.2, NM_003494.4); c.2313+2T>G (NM_001130977.2, NM_001130976.2); c.2451+2T>G (NM_001130982.2); c.2409+2T>G (NM_001130985.2); c.2358+2T>G (NM_001130983.2, NM_001130455.2); c.2316+2T>G (NM_001130984.2, NM_001130986.2).
Identifiers: ClinVar variation 4815135 (VCV004815135.1).